The following is an entry in ClinVar:

ClinVar aggregate classification (germline): Pathogenic. Review status: criteria provided, multiple submitters, no conflicts (2 of 4 stars). 26 submissions from 25 submitters: Pathogenic (19). 7 of the submissions do not count toward it. Last evaluated 2026-06-26.

Conditions:
Familial dysautonomia. Also called: FD; HSAN III. Identifiers: Orphanet 1764, MedGen C0013364, MONDO:0009131, OMIM 223900. Disease mechanism: loss of function.
Medulloblastoma (MDB). Also called: Medulloblastoma, somatic; MEDULLOBLASTOMA PREDISPOSITION SYNDROME. Identifiers: Orphanet 616, MedGen C0025149, MeSH D008527, MONDO:0007959, OMIM 155255, HP:0002885.
ELP1-related disorder. Also called: ELP1-related condition.
ELP1 & IKBKAP-related disorders.
Primary dysautonomia. Identifiers: MedGen CN376829, MONDO:0021809.
Charcot-Marie-Tooth disease. Also called: Charcot-Marie-Tooth Hereditary Neuropathy; Charcot-Marie-Tooth Neuropathy. Identifiers: Orphanet 166, MedGen C0007959, MONDO:0015626.

Allele frequency attached by ClinVar (database versions not stated): gnomAD exomes 0.00035 and 0.00065; TOPMed 0.00044; gnomAD 0.00050 and 0.00051; ExAC 0.00065.
gnomAD v4.1: 635 of 1,611,286 alleles (0.039%); highest among the groups gnomAD compares: Non-Finnish European, 0.0074%; no homozygotes.

Submissions 1 to 10 of 28:

PreventionGenetics, part of Exact Sciences
Classification: Pathogenic for ELP1-related condition. Last evaluated: 2026-06-26. Review status: criteria provided, single submitter. Criteria: ACMG Guidelines, 2015. Collection method: clinical testing. Allele origin: germline.
Comment: The ELP1 c.2204+6T>C variant is predicted to interfere with splicing. This variant has been reported as a Ashkenazi Jewish founder variant for autosomal recessive familial dysautonomia (Slaugenhaupt et al. 2001. PubMed ID: 11179008; Shohat et al. 2003. PubMed ID: 20301359; OMIM #223900). Functional studies indicate that this variant results in skipping of exon 20, which leads to a frameshift and premature protein termination (Slaugenhaupt et al. 2001. PubMed ID: 11179008; Anderson et al. 2001. PubMed ID: 11179021, Figure 2; Bocher et al. 2013. PubMed ID 23515154). In ClinVar, this variant is interpreted as pathogenic by multiple clinical laboratories (ClinVar ID: 6085). This variant is reported in 1.3% of alleles in individuals of Ashkenazi Jewish descent in gnomAD. This variant is interpreted as pathogenic.

Otogenetics
Classification: Pathogenic for Familial dysautonomia. Last evaluated: 2026-02-23. Review status: criteria provided, single submitter. Criteria: ACMG Guidelines, 2015. Collection method: clinical testing. Allele origin: germline.
Comment: PS3_Supporting: Well-established in vitro and in vivo functional studies supportive of damaging effect on the gene product, with low residual enzymatic activity relative to wild-type reported (PMID: 16964593, 29762696); PM3_VeryStrong: Variant reported in homozygous state in numerous affected individuals and in trans with two pathogenic variants in five individuals affected with familial dysautonomia (PMID: 11179021, 12687659, 29289840); PP3: In-silico models predict deleterious effect (dbscSNV Ada = 0.66, dbscSNV RF = 0.85)

Labcorp Genetics (formerly Invitae), Labcorp
Classification: Pathogenic. Last evaluated: 2026-02-04. Review status: criteria provided, single submitter. Criteria: Invitae Variant Classification Sherloc (09022015). Collection method: clinical testing. Allele origin: germline.
Comment: This sequence change falls in intron 20 of the ELP1 gene. It does not directly change the encoded amino acid sequence of the ELP1 protein. It affects a nucleotide within the consensus splice site. This variant is present in population databases (rs111033171, gnomAD 1.4%), and has an allele count higher than expected for a pathogenic variant. This variant has been observed in individual(s) with familial dysautonomia (FD) (PMID: 11179021, 12116234). It is commonly reported in individuals of Ashkenazi Jewish ancestry (PMID: 11179008, 11179021, 12116234, 20301359). ClinVar contains an entry for this variant (Variation ID: 6085). Algorithms developed to predict the effect of variants on gene product structure and function are not available or were not evaluated for this variant. Experimental studies have shown that this variant affects ELP1 function (PMID: 11179008, 11179021, 22190446, 23515154). Variants that disrupt the consensus splice site are a relatively common cause of aberrant splicing (PMID: 17576681, 9536098). Algorithms developed to predict the effect of sequence changes on RNA splicing suggest that this variant is not likely to affect RNA splicing. For these reasons, this variant has been classified as Pathogenic.

Natera, Inc.
Classification: Pathogenic for Familial dysautonomia. Last evaluated: 2025-11-03. Review status: criteria provided, single submitter. Criteria: Natera Variant Classification Schema (03/2026). Collection method: clinical testing. Allele origin: germline.
Comment: The c.2204+6T>C variant in ELP1 is an intronic variant located outside the canonical splice sites. This variant has been observed in one or more individuals affected with the associated recessive disease, as either homozygous or compound heterozygous with a second variant (PMID: 34301951, 11179008, 11179021, 29289840). Additionally, this variant has been observed to segregate in affected family members (PMID: 11179021). Given the available evidence, this variant is classified as Pathogenic.

Women's Health and Genetics/Laboratory Corporation of America, LabCorp
Classification: Pathogenic for Familial dysautonomia. Last evaluated: 2025-03-05. Review status: criteria provided, single submitter. Criteria: LabCorp Variant Classification Summary - May 2015. Collection method: clinical testing. Allele origin: germline.
Comment: Variant summary: IKBKAP c.2204+6T>C alters a nucleotide located close to a canonical splice site and therefore could affect mRNA splicing, leading to a significantly altered protein sequence. Consensus agreement among computation tools predict no significant impact on normal splicing. However, multiple splicing studies have shown that this variant causes skipping of exon 20 (Slaugenhaupt_2001; Anderson_2001). The variant allele was found at a frequency of 0.0007 in 252252 control chromosomes. c.2204+6T>C has been reported in the literature in multiple individuals affected with Familial Dysautonomia (Slaugenhaupt_2001; Anderson_2001). These data indicate that the variant is very likely to be associated with disease. The following publications have been ascertained in the context of this evaluation (PMID: 11179021, 12116234, 11179008). ClinVar contains an entry for this variant (Variation ID: 6085). Based on the evidence outlined above, the variant was classified as pathogenic.

Blueprint Genetics
Classification: Pathogenic for ELP1 & IKBKAP-related disorders. Last evaluated: 2024-10-23. Review status: criteria provided, single submitter. Criteria: ACMG Guidelines, 2015. Collection method: clinical testing. Allele origin: germline. Affected: yes. Observed: 5 variant alleles.

Revvity Omics, Revvity
Classification: Pathogenic for Familial dysautonomia. Last evaluated: 2024-09-05. Review status: criteria provided, single submitter. Criteria: ACMG Guidelines, 2015. Collection method: clinical testing. Allele origin: germline.

Fulgent Genetics
Classification: Pathogenic for Medulloblastoma; Familial dysautonomia. Last evaluated: 2024-04-26. Review status: criteria provided, single submitter. Criteria: ACMG Guidelines, 2015. Collection method: clinical testing. Allele origin: germline.

St. Jude Molecular Pathology, St. Jude Children's Research Hospital
Classification: Pathogenic for Medulloblastoma. Last evaluated: 2023-10-16. Review status: criteria provided, single submitter. Criteria: St. Jude Assertion Criteria 2020. Collection method: clinical testing. Allele origin: germline.
Comment: The ELP1 c.2204+6T>C intronic change results in a T to C substitution at the +6 position of intron 20 of the ELP1 gene. Algorithms that predict the impact of sequence changes on splicing indicate no significant impact on splicing. However, several studies have demonstrated tissue-specific skipping of exon 20 (PMID: 11179008, 11179021, 29762696). Skipping of exon 20 is predicted to cause premature protein truncation or absence of protein due to nonsense-mediated decay. This variant has been reported in the homozygous and compound heterozygous state in individuals with familial dysautonomia (PMID: 11179021). This variant has a frequency of 1.34% in the Ashkenazi Jewish population in gnomAD v2.1.1 and is considered to be an Ashkenazi Jewish founder mutation. In summary, this variant meets criteria to be classified as pathogenic.

Victorian Clinical Genetics Services, Murdoch Childrens Research Institute
Classification: Pathogenic for Familial dysautonomia. Last evaluated: 2023-07-17. Review status: criteria provided, single submitter. Criteria: ACMG Guidelines, 2015. Collection method: clinical testing. Allele origin: germline. Inheritance: Autosomal recessive inheritance. Affected: yes.
Comment: Based on the classification scheme VCGS_Germline_v1.3.4, this variant is classified as Pathogenic. Following criteria are met: 0102 - Loss of function is a known mechanism of disease in this gene and is associated with dysautonomia, familial (MIM#223900) and medulloblastoma (MIM#155255). (I) 0108 - This gene is associated with both recessive and dominant disease. Dysautonomia, familial (MIM#223900) is inherited in an autosomal recessive manner and is associated with specific variants, while an increased risk for medulloblastoma (MIM#155255) is inherited in an autosomal dominant manner and is associated with germline loss of function variants. (I) 0209 - Splice site variant proven to affect splicing of the transcript with uncertain effect on protein sequence. This variant has been shown to cause tissue specific exon 20 skipping which results in low levels of wild-type mRNA and reduced synthesis of the ELP1 protein. These effects are more severe in sensory and autonomic nervous tissues (PMIDs: 22190446, 11179008). (SP) 0252 - This variant is homozygous. (I) 0305 - Variant is present in gnomAD (v2) >=0.01 and <0.03 for a recessive condition (174 heterozygotes, 0 homozygotes). (I) 0801 - This variant has strong previous evidence of pathogenicity in unrelated individuals. This variant is a founder mutation in the Ashkenazi Jewish population, has been classified as pathogenic by many clinical laboratories in ClinVar and is known to be the most common variant in this gene to cause familial dysautonomia (PMID: 22190446). (I) Legend: (SP) - Supporting pathogenic, (I) - Information, (SB) - Supporting benign

NM_003640.5(ELP1):c.2204+6T>C

Gene: ELP1 (elongator acetyltransferase complex subunit 1; minus strand). Cytogenetic location: 9q31.3.
Variant type: single nucleotide variant.
Coding change: c.2204+6T>C on transcript NM_003640.5 (MANE Select); 6 bases into the intron after coding-DNA position 2204, T replaced by C.
Molecular consequence: intron variant.
Genome position (GRCh38, 1-based): chr9:108,899,816, A>G on the plus strand (T>C on the coding strand, the complement: ELP1 is on the minus strand). VCF-style: chr9-108899816-A-G. GRCh37 (hg19) VCF-style: chr9-111662096-A-G.
Other names: p.?; IVS20DS, T-C, +6; c.1862+6T>C (NM_001318360.2); c.1157+6T>C (NM_001330749.2).
Identifiers: ClinVar variation 6085 (VCV000006085.67), dbSNP rs111033171, ClinGen allele CA284834.